The following is an entry in ClinVar:

ClinVar aggregate classification (germline): Uncertain significance (1 of 4 stars; one submission).

Submission:

GeneDx
Classification: Uncertain significance. Last evaluated: 2026-07-23. Review status: criteria provided, single submitter. Criteria: GeneDx Variant Classification Process June 2021. Collection method: clinical testing. Allele origin: germline.
Comment: Not observed at significant frequency in large population cohorts (gnomAD); Has not been previously published as pathogenic or benign to our knowledge; In silico analysis supports that this missense variant has a deleterious effect on protein structure/function

NM_178335.3(CCDC50):c.1043A>G (p.Glu348Gly)

Gene: CCDC50 (coiled-coil domain containing 50; plus strand). Cytogenetic location: 3q28.
Variant type: single nucleotide variant.
Coding change: c.1043A>G on transcript NM_178335.3 (MANE Select); coding-DNA position 1043, A replaced by G.
Protein change: p.Glu348Gly; replaces glutamic acid 348 with glycine.
Molecular consequence: missense variant.
Genome position (GRCh38, 1-based): chr3:191,380,225, A>G. VCF-style: chr3-191380225-A-G. GRCh37 (hg19) VCF-style: chr3-191098014-A-G.
Other names: c.515A>G, p.Glu172Gly (NM_174908.4); short protein forms E172G, E348G.
Identifiers: ClinVar variation 1305176 (VCV001305176.5), dbSNP rs2108667962, ClinGen allele CA355766441.